The following is an entry in ClinVar:

ClinVar aggregate classification (germline): Uncertain significance. Review status: criteria provided, multiple submitters, no conflicts (2 of 4 stars). 2 submissions from 2 submitters: Uncertain significance (2). Last evaluated 2022-05-25.

Conditions:
Pancreatic adenocarcinoma. Identifiers: MedGen C0281361, MONDO:0006047, HP:0006725.

Allele frequency attached by ClinVar (database versions not stated): TOPMed below 0.00001.

Submissions (2):

Ambry Genetics
Classification: Uncertain significance. Last evaluated: 2022-05-25. Review status: criteria provided, single submitter. Criteria: Ambry Variant Classification Scheme 2023. Collection method: clinical testing. Allele origin: germline.
Comment: The p.F796C variant (also known as c.2387T>G), located in coding exon 12 of the PALLD gene, results from a T to G substitution at nucleotide position 2387. The phenylalanine at codon 796 is replaced by cysteine, an amino acid with highly dissimilar properties. This amino acid position is conserved. In addition, this alteration is predicted to be deleterious by in silico analysis. Since supporting evidence is limited at this time, the clinical significance of this alteration remains unclear.

Labcorp Genetics (formerly Invitae), Labcorp
Classification: Uncertain significance for Pancreatic adenocarcinoma. Last evaluated: 2021-03-18. Review status: criteria provided, single submitter. Criteria: Invitae Variant Classification Sherloc (09022015). Collection method: clinical testing. Allele origin: germline.
Comment: In summary, the available evidence is currently insufficient to determine the role of this variant in disease. Therefore, it has been classified as a Variant of Uncertain Significance. Algorithms developed to predict the effect of missense changes on protein structure and function are either unavailable or do not agree on the potential impact of this missense change (SIFT: "Deleterious"; PolyPhen-2: "Benign"; Align-GVGD: "Class C65"). This variant has not been reported in the literature in individuals with PALLD-related conditions. This variant is not present in population databases (ExAC no frequency). This sequence change replaces phenylalanine with cysteine at codon 309 of the PALLD protein (p.Phe309Cys). The phenylalanine residue is highly conserved and there is a large physicochemical difference between phenylalanine and cysteine.

NM_001166108.2(PALLD):c.2438T>G (p.Phe813Cys)

Genes: CBR4 (carbonyl reductase 4; minus strand), PALLD (palladin, cytoskeletal associated protein; plus strand). Cytogenetic location: 4q32.3.
Variant type: single nucleotide variant.
Coding change: c.2438T>G on transcript NM_001166108.2 (MANE Select); coding-DNA position 2438, T replaced by G.
Protein change: p.Phe813Cys; replaces phenylalanine 813 with cysteine.
Molecular consequence: missense variant.
Genome position (GRCh38, 1-based): chr4:168,898,680, T>G. VCF-style: chr4-168898680-T-G. GRCh37 (hg19) VCF-style: chr4-169819831-T-G.
Other names: c.1241T>G, p.Phe414Cys (NM_001166109.2); c.926T>G, p.Phe309Cys (NM_001166110.2); c.266T>G, p.Phe89Cys (NM_001367567.1, NM_001367569.1); c.317T>G, p.Phe106Cys (NM_001367568.1, NM_001367570.1); c.2387T>G, p.Phe796Cys (NM_016081.4); short protein forms F309C, F414C, F106C, F796C, F813C, F89C.
Identifiers: ClinVar variation 1433281 (VCV001433281.10), dbSNP rs1461519731, ClinGen allele CA358799140.